The following is an entry in ClinVar:

NM_001394998.1(TANC2):c.1552G>T (p.Ala518Ser)

Gene: TANC2 (tetratricopeptide repeat, ankyrin repeat and coiled-coil containing 2; plus strand). Cytogenetic location: 17q23.3.
Variant type: single nucleotide variant.
Coding change: c.1552G>T on transcript NM_001394998.1 (MANE Select); coding-DNA position 1552, G replaced by T.
Protein change: p.Ala518Ser; replaces alanine 518 with serine.
Molecular consequence: missense variant.
Genome position (GRCh38, 1-based): chr17:63,319,067, G>T. VCF-style: chr17-63319067-G-T. GRCh37 (hg19) VCF-style: chr17-61396428-G-T.
Other names: c.1330G>T, p.Ala444Ser (NM_001411076.1, NM_025185.4); short protein forms A444S, A518S.
Identifiers: ClinVar variation 2504503 (VCV002504503.1), dbSNP rs2509909595, ClinGen allele CA400795164.
Genomic context (GRCh38, chr17:63,319,067, plus strand): 5'-TCATCTATCACCAGTGGAAGCTGCCCAGGAACTCCGGAAATGCGCAGGCGGCAGGAGGAG[G>T]CTATGCGAAGACTAGCCTCGCAGGTACAATATGATTCCCACGTTGGGGATATGGTAGTTC-3'
Protein context (NP_001381927.1, residues 508-528): TPEMRRRQEE[Ala518Ser]MRRLASQVVA

ClinVar aggregate classification (germline): Uncertain significance (1 of 4 stars; one submission).

Submission:

GeneDx
Classification: Uncertain significance. Last evaluated: 2022-12-01. Review status: criteria provided, single submitter. Criteria: GeneDx Variant Classification Process June 2021. Collection method: clinical testing. Allele origin: germline. Affected: yes.
Comment: Not observed at significant frequency in large population cohorts (gnomAD); In silico analysis supports that this missense variant does not alter protein structure/function; Has not been previously published as pathogenic or benign to our knowledge